The following is an entry in ClinVar:

ClinVar aggregate classification (germline): Likely pathogenic (1 of 4 stars; one submission).

Conditions:
NPHP3-related disorder. Also called: NPHP3-related condition; NPHP3-related disorders. Identifiers: MedGen CN379163.

Submission:

PreventionGenetics, part of Exact Sciences
Classification: Likely pathogenic for NPHP3-related condition. Last evaluated: 2026-01-13. Review status: criteria provided, single submitter. Criteria: ACMG Guidelines, 2015. Collection method: clinical testing. Allele origin: germline.
Comment: The NPHP3 c.971_972delAA variant is predicted to result in a frameshift and premature protein termination (p.Lys324Thrfs*2). To our knowledge, this variant has not been reported in the literature or in a large population database (gnomAD), indicating this variant is rare. Frameshift variants in NPHP3 are expected to be pathogenic. This variant is interpreted as likely pathogenic.

NM_153240.5(NPHP3):c.971_972del (p.Lys324fs)

Genes: NPHP3 (nephrocystin 3; minus strand), NPHP3-ACAD11 (NPHP3-ACAD11 readthrough (NMD candidate); minus strand). Cytogenetic location: 3q22.1.
Variant type: Deletion.
Coding change: c.971_972del on transcript NM_153240.5 (MANE Select); coding-DNA positions 971 to 972, 2 bases deleted (AA; older notation c.971_972delAA).
Protein change: p.Lys324fs; shifts the reading frame from lysine 324.
Molecular consequence: frameshift variant. On other transcripts: non-coding transcript variant (1).
Genome position (GRCh38, 1-based): chr3:132,713,272-132,713,273, TT deleted on the plus strand (AA on the coding strand, the reverse complement: NPHP3 is on the minus strand); deleting any 2 consecutive bases within chr3:132,713,272-132,713,274 gives the same sequence; the c. name uses the placement nearest the transcript's 3' end. VCF-style (leftmost placement, unchanged base first): chr3-132713271-GTT-G. GRCh37 (hg19) VCF-style: chr3-132432115-GTT-G.
Other names: short protein forms K324fs.
Identifiers: ClinVar variation 4993812 (VCV004993812.1).